The following is an entry in ClinVar:

NM_003803.4(MYOM1):c.2207T>G (p.Leu736Arg)

Gene: MYOM1 (myomesin 1; minus strand). Cytogenetic location: 18p11.31.
Variant type: single nucleotide variant.
Coding change: c.2207T>G on transcript NM_003803.4 (MANE Select); coding-DNA position 2207, T replaced by G.
Protein change: p.Leu736Arg; replaces leucine 736 with arginine.
Molecular consequence: missense variant.
Genome position (GRCh38, 1-based): chr18:3,135,549, A>C on the plus strand (T>G on the coding strand, the complement: MYOM1 is on the minus strand). VCF-style: chr18-3135549-A-C. GRCh37 (hg19) VCF-style: chr18-3135547-A-C.
Other names: c.2207T>G, p.Leu736Arg (NM_019856.2); short protein forms L736R.
Identifiers: ClinVar variation 4115973 (VCV004115973.1).

ClinVar aggregate classification (germline): Uncertain significance (1 of 4 stars; one submission).

gnomAD v4.1: 1 of 1,612,994 alleles (0.000062%); highest among the groups gnomAD compares: African/African-American, 0.0013%; no homozygotes.

Submission:

Ambry Genetics
Classification: Uncertain significance. Last evaluated: 2025-07-24. Review status: criteria provided, single submitter. Criteria: Ambry Variant Classification Scheme 2023. Collection method: clinical testing. Allele origin: germline.
Comment: The p.L736R variant (also known as c.2207T>G), located in coding exon 14 of the MYOM1 gene, results from a T to G substitution at nucleotide position 2207. The leucine at codon 736 is replaced by arginine, an amino acid with dissimilar properties. This amino acid position is conserved. In addition, the in silico prediction for this alteration is inconclusive. Based on the available evidence, the clinical significance of this variant remains unclear.